The following is an entry in ClinVar:

ClinVar aggregate classification (germline): Uncertain significance (1 of 4 stars; one submission).

Conditions:
Fructose-biphosphatase deficiency (FBP1D). Also called: Fructose 1,6 Bisphosphatase Deficiency; Fructose-1,6-Diphosphatase Deficiency; Fructose-1,6-Bisphosphatase 1 Deficiency. Identifiers: Orphanet 348, MedGen C0016756, MONDO:0009251, OMIM 229700.

Submission:

3billion
Classification: Uncertain significance for Fructose-biphosphatase deficiency. Last evaluated: 2022-05-22. Review status: criteria provided, single submitter. Criteria: ACMG Guidelines, 2015. Collection method: clinical testing. Allele origin: germline. Affected: yes. Observed: 1 homozygote.
Comment: The variant is not observed in the gnomAD v2.1.1 dataset. Splice region variant predicted to alter splicing (see below). In silico tools predict the variant to alter splicing and produce an abnormal transcript (SpliceAI: 0.99). Therefore, this variant is classified as uncertain significanceaccording to the recommendation of ACMG/AMP guideline.

NM_000507.4(FBP1):c.170+4del

Gene: FBP1 (fructose-bisphosphatase 1; minus strand). Cytogenetic location: 9q22.32.
Variant type: Deletion.
Coding change: c.170+4del on transcript NM_000507.4 (MANE Select); 4 bases into the intron after coding-DNA position 170, one base deleted (A; older notation c.170+4delA).
Molecular consequence: intron variant.
Genome position (GRCh38, 1-based): chr9:94,639,137, T deleted on the plus strand (A on the coding strand, the reverse complement: FBP1 is on the minus strand). VCF-style (leftmost placement, unchanged base first): chr9-94639136-CT-C. GRCh37 (hg19) VCF-style: chr9-97401418-CT-C.
Other names: c.170+4del (NM_001127628.2).
Identifiers: ClinVar variation 1687200 (VCV001687200.1), dbSNP rs2131509125, ClinGen allele CA2573144780.
Genomic context (GRCh38, chr9:94,639,136, plus strand): 5'-GCCCGCCGGGCAGGCTCCCCAGGCAGACAGACAGGACGGGGCCCACCGCCCAAGGCCCGA[CT>C]CACAGGTGCGCGATGCCCGCCTTGCGCACCGCCGAAGAGATGGCTTTGACTGCTGTGCAG-3'